The following is an entry in ClinVar:

ClinVar aggregate classification (germline): Uncertain significance (1 of 4 stars; one submission).

Conditions:
Cardiovascular phenotype. Identifiers: MedGen CN230736.

Submission:

Ambry Genetics
Classification: Uncertain significance for Cardiovascular phenotype. Last evaluated: 2026-07-09. Review status: criteria provided, single submitter. Criteria: Ambry Variant Classification Scheme 2023. Collection method: clinical testing. Allele origin: germline.
Comment: The p.P1213L variant (also known as c.3638C>T), located in coding exon 14 of the RBM20 gene, results from a C to T substitution at nucleotide position 3638. The proline at codon 1213 is replaced by leucine, an amino acid with similar properties. This amino acid position is conserved. In addition, this alteration is predicted to be tolerated by in silico analysis. Based on the available evidence, the clinical significance of this variant remains unclear.

NM_001134363.3(RBM20):c.3638C>T (p.Pro1213Leu)

Gene: RBM20 (RNA binding motif protein 20; plus strand). Cytogenetic location: 10q25.2.
Variant type: single nucleotide variant.
Coding change: c.3638C>T on transcript NM_001134363.3 (MANE Select); coding-DNA position 3638, C replaced by T.
Protein change: p.Pro1213Leu; replaces proline 1213 with leucine.
Molecular consequence: missense variant.
Genome position (GRCh38, 1-based): chr10:110,835,932, C>T. VCF-style: chr10-110835932-C-T. GRCh37 (hg19) VCF-style: chr10-112595690-C-T.
Other names: short protein forms P1213L.
Identifiers: ClinVar variation 5028018 (VCV005028018.1).